The following is an entry in ClinVar:

NM_002838.5(PTPRC):c.1029G>A (p.Gln343=)

Gene: PTPRC (protein tyrosine phosphatase receptor type C; plus strand). Cytogenetic location: 1q32.1.
Variant type: single nucleotide variant.
Coding change: c.1029G>A on transcript NM_002838.5 (MANE Select); coding-DNA position 1029, G replaced by A.
Protein change: p.Gln343=; no amino-acid change (glutamine 343 retained).
Molecular consequence: synonymous variant.
Genome position (GRCh38, 1-based): chr1:198,708,257, G>A. VCF-style: chr1-198708257-G-A. GRCh37 (hg19) VCF-style: chr1-198677386-G-A.
Other names: p.Q341Q:CAG>CAA; c.546G>A, p.Gln182= (NM_080921.4).
Identifiers: ClinVar variation 138849 (VCV000138849.14), dbSNP rs41314043, ClinGen allele CA292984.
Genomic context (GRCh38, chr1:198,708,257, plus strand): 5'-AAAATGGAAAAATATTGAAACCTTTACTTGTGATACACAGAATATTACCTACAGATTTCA[G>A]TGTGGTAAGAATATAACATTGACCAGAGAATTTTTTTTTGTGGCACAATGTTGTTCTAGA-3'
Protein context (NP_002829.3, residues 333-353): CDTQNITYRF[Gln343=]CGNMIFDNKE

ClinVar aggregate classification (germline): Benign/Likely benign. Review status: criteria provided, multiple submitters, no conflicts (2 of 4 stars). 5 submissions from 5 submitters: Benign (4); Likely benign (1). Last evaluated 2026-02-04.

Conditions:
Immunodeficiency 104. Also called: Severe combined immunodeficiency, autosomal recessive, T cell-negative, B cell-positive, NK cell-positive; SCID, AUTOSOMAL RECESSIVE, T CELL-NEGATIVE, B CELL-POSITIVE, NK CELL-POSITIVE; Severe Combined Immune Deficiency, Autosomal Recessive, TCell -Negative, B Cell-Positive, NK Cell-Positive, IL7R-Related; IMMUNODEFICIENCY 104, SEVERE COMBINED. Identifiers: MedGen C5676890, MONDO:0012163, OMIM 608971.

Allele frequency attached by ClinVar (database versions not stated): TOPMed 0.01051; ExAC 0.01405; 1000 Genomes Project 0.00599; gnomAD 0.01417 and 0.01439; gnomAD exomes 0.01501 and 0.01599; 1000 Genomes Project 30x 0.00578; ESP Exome Variant Server 0.01363.
gnomAD v4.1: 25,315 of 1,605,048 alleles (1.6%); highest among the groups gnomAD compares: Non-Finnish European, 1.6%; 293 homozygotes.

Submissions (5):

Labcorp Genetics (formerly Invitae), Labcorp
Classification: Benign for Immunodeficiency 104. Last evaluated: 2026-02-04. Review status: criteria provided, single submitter. Criteria: Invitae Variant Classification Sherloc (09022015). Collection method: clinical testing. Allele origin: germline.

Women's Health and Genetics/Laboratory Corporation of America, LabCorp
Classification: Benign. Last evaluated: 2026-01-23. Review status: criteria provided, single submitter. Criteria: LabCorp Variant Classification Summary - May 2015. Collection method: clinical testing. Allele origin: germline.

Blueprint Genetics
Classification: Likely benign. Last evaluated: 2024-11-25. Review status: criteria provided, single submitter. Criteria: ACMG Guidelines, 2015. Collection method: clinical testing. Allele origin: germline.

GeneDx
Classification: Benign. Last evaluated: 2013-08-02. Review status: criteria provided, single submitter. Criteria: GeneDx Variant Classification (06012015). Collection method: clinical testing. Allele origin: germline. Affected: yes.
Comment: This variant is considered likely benign or benign based on one or more of the following criteria: it is a conservative change, it occurs at a poorly conserved position in the protein, it is predicted to be benign by multiple in silico algorithms, and/or has population frequency not consistent with disease.

Breakthrough Genomics
Classification: Benign. Review status: criteria provided, single submitter. Criteria: ACMG Guidelines, 2015. Collection method: not provided. Allele origin: germline. Inheritance: Autosomal recessive inheritance. Affected: yes.